The following is an entry in ClinVar:

NM_006267.5(RANBP2):c.1873C>T (p.Pro625Ser)

Gene: RANBP2 (RAN binding protein 2; plus strand). Cytogenetic location: 2q13.
Variant type: single nucleotide variant.
Coding change: c.1873C>T on transcript NM_006267.5 (MANE Select); coding-DNA position 1873, C replaced by T.
Protein change: p.Pro625Ser; replaces proline 625 with serine.
Molecular consequence: missense variant.
Genome position (GRCh38, 1-based): chr2:108,753,115, C>T. VCF-style: chr2-108753115-C-T. GRCh37 (hg19) VCF-style: chr2-109369571-C-T.
Other names: short protein forms P625S.
Identifiers: ClinVar variation 1718243 (VCV001718243.6), dbSNP rs2467521429, ClinGen allele CA348051924.

ClinVar aggregate classification (germline): Uncertain significance (1 of 4 stars; one submission).

Conditions:
Familial acute necrotizing encephalopathy (IIAE3). Also called: ENCEPHALOPATHY, ACUTE, INFECTION-INDUCED, SUSCEPTIBILITY TO, 3; Susceptibility to Acute Necrotizing Encephalopathy 1. Identifiers: Orphanet 88619, MedGen C2675556, MONDO:0011953, OMIM 608033.

Allele frequency attached by ClinVar (database versions not stated): gnomAD exomes below 0.00001.
gnomAD v4.1: 2 of 1,609,502 alleles (0.00012%); highest among the groups gnomAD compares: Non-Finnish European, 0.00017%; no homozygotes.

Submission:

Labcorp Genetics (formerly Invitae), Labcorp
Classification: Uncertain significance for Familial acute necrotizing encephalopathy. Last evaluated: 2025-10-01. Review status: criteria provided, single submitter. Criteria: Invitae Variant Classification Sherloc (09022015). Collection method: clinical testing. Allele origin: germline.
Comment: This sequence change replaces proline, which is neutral and non-polar, with serine, which is neutral and polar, at codon 625 of the RANBP2 protein (p.Pro625Ser). This variant is not present in population databases (gnomAD no frequency). This variant has not been reported in the literature in individuals affected with RANBP2-related conditions. ClinVar contains an entry for this variant (Variation ID: 1718243). An algorithm developed to predict the effect of missense changes on protein structure and function (PolyPhen-2) suggests that this variant is likely to be tolerated. In summary, the available evidence is currently insufficient to determine the role of this variant in disease. Therefore, it has been classified as a Variant of Uncertain Significance.